The following is an entry in ClinVar:

NM_006073.4(TRDN):c.1365G>A (p.Glu455=)

Gene: TRDN (triadin; minus strand). Cytogenetic location: 6q22.31.
Variant type: single nucleotide variant.
Coding change: c.1365G>A on transcript NM_006073.4 (MANE Select); coding-DNA position 1365, G replaced by A.
Protein change: p.Glu455=; no amino-acid change (glutamic acid 455 retained).
Molecular consequence: synonymous variant.
Genome position (GRCh38, 1-based): chr6:123,352,543, C>T on the plus strand (G>A on the coding strand, the complement: TRDN is on the minus strand). VCF-style: chr6-123352543-C-T. GRCh37 (hg19) VCF-style: chr6-123673688-C-T.
Other names: c.1368G>A, p.Glu456= (NM_001251987.2); c.1365G>A (NM_006073.2).
Identifiers: ClinVar variation 1112427 (VCV001112427.14), dbSNP rs1452206168, ClinGen allele CA452055044.

ClinVar aggregate classification (germline): Conflicting classifications of pathogenicity. Review status: criteria provided, conflicting classifications (1 of 4 stars). 3 submissions from 3 submitters: Uncertain significance (1); Likely benign (2). Last evaluated 2025-09-10.

Conditions:
Cardiovascular phenotype. Identifiers: MedGen CN230736.
Catecholaminergic polymorphic ventricular tachycardia 1. Also called: RYR2-Related Catecholaminergic Polymorphic Ventricular Tachycardia; VENTRICULAR TACHYCARDIA, CATECHOLAMINERGIC POLYMORPHIC, 1, WITH OR WITHOUT ATRIAL DYSFUNCTION AND/OR DILATED CARDIOMYOPATHY; VENTRICULAR TACHYCARDIA, STRESS-INDUCED POLYMORPHIC 1. Identifiers: Orphanet 3286, MedGen C1631597, MONDO:0011484, OMIM 604772.

Allele frequency attached by ClinVar (database versions not stated): gnomAD exomes below 0.00001; TOPMed 0.00002.

Submissions (3):

Labcorp Genetics (formerly Invitae), Labcorp
Classification: Likely benign for Catecholaminergic polymorphic ventricular tachycardia 1. Last evaluated: 2025-09-10. Review status: criteria provided, single submitter. Criteria: Invitae Variant Classification Sherloc (09022015). Collection method: clinical testing. Allele origin: germline.

Ambry Genetics
Classification: Likely benign for Cardiovascular phenotype. Last evaluated: 2023-06-12. Review status: criteria provided, single submitter. Criteria: Ambry Variant Classification Scheme 2023. Collection method: clinical testing. Allele origin: germline.

GeneDx
Classification: Uncertain significance. Last evaluated: 2019-11-20. Review status: criteria provided, single submitter. Criteria: GeneDx Variant Classification Process June 2021. Collection method: clinical testing. Allele origin: germline. Affected: yes.
Comment: Not observed in large population cohorts (Lek et al., 2016); Not predicted to affect splicing; Has not been previously published as pathogenic or benign to our knowledge